The following is an entry in ClinVar:

NM_001572.5(IRF7):c.340G>T (p.Asp114Tyr)

Gene: IRF7 (interferon regulatory factor 7; minus strand). Cytogenetic location: 11p15.5.
Variant type: single nucleotide variant.
Coding change: c.340G>T on transcript NM_001572.5 (MANE Select); coding-DNA position 340, G replaced by T.
Protein change: p.Asp114Tyr; replaces aspartic acid 114 with tyrosine.
Molecular consequence: missense variant.
Genome position (GRCh38, 1-based): chr11:614,851, C>A on the plus strand (G>T on the coding strand, the complement: IRF7 is on the minus strand). VCF-style: chr11-614851-C-A. GRCh37 (hg19) VCF-style: chr11-614851-C-A.
Other names: c.340G>T, p.Asp114Tyr (NM_004029.4); c.379G>T, p.Asp127Tyr (NM_004031.4); short protein forms D114Y, D127Y.
Identifiers: ClinVar variation 3674981 (VCV003674981.2).

ClinVar aggregate classification (germline): Uncertain significance (1 of 4 stars; one submission).

Conditions:
Immunodeficiency 39 (IMD39). Identifiers: Orphanet 574918, MedGen C4225358, MONDO:0014597, OMIM 616345.

Submission:

Labcorp Genetics (formerly Invitae), Labcorp
Classification: Uncertain significance for Immunodeficiency 39. Last evaluated: 2025-01-13. Review status: criteria provided, single submitter. Criteria: Invitae Variant Classification Sherloc (09022015). Collection method: clinical testing. Allele origin: germline.
Comment: This sequence change replaces aspartic acid, which is acidic and polar, with tyrosine, which is neutral and polar, at codon 127 of the IRF7 protein (p.Asp127Tyr). This variant is not present in population databases (gnomAD no frequency). This variant has not been reported in the literature in individuals affected with IRF7-related conditions. Invitae Evidence Modeling of protein sequence and biophysical properties (such as structural, functional, and spatial information, amino acid conservation, physicochemical variation, residue mobility, and thermodynamic stability) has been performed for this missense variant. However, the output from this modeling did not meet the statistical confidence thresholds required to predict the impact of this variant on IRF7 protein function. In summary, the available evidence is currently insufficient to determine the role of this variant in disease. Therefore, it has been classified as a Variant of Uncertain Significance.